The following is an entry in ClinVar:

ClinVar aggregate classification (germline): Uncertain significance (1 of 4 stars; one submission).

Conditions:
Inborn genetic diseases. Identifiers: MedGen C0950123, MeSH D030342.

gnomAD v4.1: 4 of 1,608,988 alleles (0.00025%); highest among the groups gnomAD compares: Non-Finnish European, 0.00034%; no homozygotes.

Submission:

Ambry Genetics
Classification: Uncertain significance for Inborn genetic diseases. Last evaluated: 2024-12-19. Review status: criteria provided, single submitter. Criteria: Ambry Variant Classification Scheme 2023. Collection method: clinical testing. Allele origin: germline.
Comment: The p.E1670D variant (also known as c.5010A>T), located in coding exon 34 of the ANKRD26 gene, results from an A to T substitution at nucleotide position 5010. The glutamic acid at codon 1670 is replaced by aspartic acid, an amino acid with highly similar properties. This amino acid position is conserved. In addition, this alteration is predicted to be tolerated by in silico analysis. Based on the available evidence, the clinical significance of this variant remains unclear.

NM_014915.3(ANKRD26):c.5010A>T (p.Glu1670Asp)

Gene: ANKRD26 (ankyrin repeat domain containing 26; minus strand). Cytogenetic location: 10p12.1.
Variant type: single nucleotide variant.
Coding change: c.5010A>T on transcript NM_014915.3 (MANE Select); coding-DNA position 5010, A replaced by T.
Protein change: p.Glu1670Asp; replaces glutamic acid 1670 with aspartic acid.
Molecular consequence: missense variant.
Genome position (GRCh38, 1-based): chr10:27,005,713, T>A on the plus strand (A>T on the coding strand, the complement: ANKRD26 is on the minus strand). VCF-style: chr10-27005713-T-A. GRCh37 (hg19) VCF-style: chr10-27294642-T-A.
Other names: c.5007A>T, p.Glu1669Asp (NM_001256053.2); short protein forms E1669D, E1670D.
Identifiers: ClinVar variation 3868050 (VCV003868050.1).